The following is an entry in ClinVar:

ClinVar aggregate classification (germline): association (0 of 4 stars; one submission).

Conditions:
BLOOD GROUP, Ss (Ss). Identifiers: MedGen C4551874, OMIM 111740.

Allele frequency attached by ClinVar (database versions not stated): gnomAD 0.00002 and 0.00006; TOPMed 0.00002; gnomAD exomes 0.00004 and 0.00018; ExAC 0.00017; 1000 Genomes Project 30x 0.00109; 1000 Genomes Project 0.00120.
gnomAD v4.1: 73 of 1,517,026 alleles (0.0048%); highest among the groups gnomAD compares: East Asian, 0.088%; 1 homozygote.

Submission:

Australian Red Cross Blood Service
Classification: association for BLOOD GROUP, Ss. Review status: no assertion criteria provided. Collection method: research. Allele origin: inherited. Inheritance: Codominant. Affected: no. Observed: 1 heterozygote.
Comment: Background: The GYPB c.173C>G leads to an amino acid change p.Pro58Arg (CCA>CGA) on GPB. GYPB c.173C>G is the molecular basis for the blood group antigen sD (MNS23) of the MNS blood group system. The sD is considered a low-frequency antigen detected in 1 in 1000 Caucasian South Africans and Mixed race South Africans. Antibody against sD have been reported to cause severe hemolytic disease of the fetus and newborn (HDFN).

Literature cited by the submitters: PubMed 11239234; PubMed 30421425.

NM_002100.6(GYPB):c.173C>G (p.Pro58Arg)

Gene: GYPB (glycophorin B (MNS blood group); minus strand). Cytogenetic location: 4q31.21.
Variant type: single nucleotide variant.
Coding change: c.173C>G on transcript NM_002100.6 (MANE Select); coding-DNA position 173, C replaced by G.
Protein change: p.Pro58Arg; replaces proline 58 with arginine.
Molecular consequence: missense variant.
Genome position (GRCh38, 1-based): chr4:143,999,413, G>C on the plus strand (C>G on the coding strand, the complement: GYPB is on the minus strand). VCF-style: chr4-143999413-G-C. GRCh37 (hg19) VCF-style: chr4-144920566-G-C.
Other names: c.95C>G, p.Pro32Arg (NM_001304382.1); short protein forms P32R, P58R.
Identifiers: ClinVar variation 1297166 (VCV001297166.2), dbSNP rs374811215, ClinGen allele CA3092216.